The following is an entry in ClinVar:

ClinVar aggregate classification (germline): Uncertain significance. Review status: criteria provided, multiple submitters, no conflicts (2 of 4 stars). 2 submissions from 2 submitters: Uncertain significance (2). Last evaluated 2023-09-25.

Conditions:
Mosaic variegated aneuploidy syndrome 1 (MVA1). Also called: Warburton-Anyane-Yeboa syndrome. Identifiers: Orphanet 1052, MedGen C1850343, MONDO:0009759, OMIM 257300.

Allele frequency attached by ClinVar (database versions not stated): gnomAD exomes below 0.00001.
gnomAD v4.1: 7 of 1,614,116 alleles (0.00043%); highest among the groups gnomAD compares: African/African-American, 0.0027%; no homozygotes.

Submissions (2):

Blueprint Genetics
Classification: Uncertain significance. Last evaluated: 2023-09-25. Review status: criteria provided, single submitter. Criteria: ACMG Guidelines, 2015. Collection method: clinical testing. Allele origin: germline.

Labcorp Genetics (formerly Invitae), Labcorp
Classification: Uncertain significance for Mosaic variegated aneuploidy syndrome 1. Last evaluated: 2023-04-25. Review status: criteria provided, single submitter. Criteria: Invitae Variant Classification Sherloc (09022015). Collection method: clinical testing. Allele origin: germline.
Comment: This sequence change replaces glutamic acid, which is acidic and polar, with lysine, which is basic and polar, at codon 589 of the BUB1B protein (p.Glu589Lys). This variant is present in population databases (no rsID available, gnomAD 0.007%). This variant has not been reported in the literature in individuals affected with BUB1B-related conditions. ClinVar contains an entry for this variant (Variation ID: 1420086). An algorithm developed to predict the effect of missense changes on protein structure and function (PolyPhen-2) suggests that this variant is likely to be disruptive. In summary, the available evidence is currently insufficient to determine the role of this variant in disease. Therefore, it has been classified as a Variant of Uncertain Significance.

NM_001211.6(BUB1B):c.1765G>A (p.Glu589Lys)

Gene: BUB1B (BUB1 mitotic checkpoint serine/threonine kinase B; plus strand). Cytogenetic location: 15q15.1.
Variant type: single nucleotide variant.
Coding change: c.1765G>A on transcript NM_001211.6 (MANE Select); coding-DNA position 1765, G replaced by A.
Protein change: p.Glu589Lys; replaces glutamic acid 589 with lysine.
Molecular consequence: missense variant.
Genome position (GRCh38, 1-based): chr15:40,206,214, G>A. VCF-style: chr15-40206214-G-A. GRCh37 (hg19) VCF-style: chr15-40498415-G-A.
Other names: short protein forms E589K.
Identifiers: ClinVar variation 1420086 (VCV001420086.9), dbSNP rs1295030829, ClinGen allele CA391692264.
Genomic context (GRCh38, chr15:40,206,214, plus strand): 5'-TAGCTAAACTTTATATGGTCTTTATTTCAGGATGAATTTACAGGAATTGAACCCTTGAGC[G>A]AGGATGCCATTATCACAGGCTTCAGAAATGTAACAATTTGTCCTAACCCAGAAGACACTT-3'
Protein context (NP_001202.5, residues 579-599): DEFTGIEPLS[Glu589Lys]DAIITGFRNV